The following is an entry in ClinVar:

NM_001374385.1(ATP8B1):c.459C>T (p.Gly153=)

Gene: ATP8B1 (ATPase phospholipid transporting 8B1; minus strand). Cytogenetic location: 18q21.31.
Variant type: single nucleotide variant.
Coding change: c.459C>T on transcript NM_001374385.1 (MANE Select); coding-DNA position 459, C replaced by T.
Protein change: p.Gly153=; no amino-acid change (glycine 153 retained).
Molecular consequence: synonymous variant.
Genome position (GRCh38, 1-based): chr18:57,701,248, G>A on the plus strand (C>T on the coding strand, the complement: ATP8B1 is on the minus strand). VCF-style: chr18-57701248-G-A. GRCh37 (hg19) VCF-style: chr18-55368480-G-A.
Other names: c.459C>T (NM_005603.4); c.309C>T, p.Gly103= (NM_001374386.1); c.459C>T, p.Gly153= (NM_005603.6).
Identifiers: ClinVar variation 2967631 (VCV002967631.5), dbSNP rs766462631, ClinGen allele CA8974843.

ClinVar aggregate classification (germline): Likely benign. Review status: criteria provided, single submitter (1 of 4 stars). 2 submissions from 2 submitters: Likely benign (1). 1 of the submissions does not count toward it. Last evaluated 2024-01-29.

Conditions:
ATP8B1-related disorder. Also called: ATP8B1-related condition; ATP8B1-related disorders.

Allele frequency attached by ClinVar (database versions not stated): ExAC 0.00001; gnomAD 0.00001; TOPMed 0.00002.

Submissions (2):

Labcorp Genetics (formerly Invitae), Labcorp
Classification: Likely benign. Last evaluated: 2024-01-29. Review status: criteria provided, single submitter. Criteria: Invitae Variant Classification Sherloc (09022015). Collection method: clinical testing. Allele origin: germline.

PreventionGenetics, part of Exact Sciences
Classification: Likely benign for ATP8B1-related condition. Last evaluated: 2022-05-26. Review status: no assertion criteria provided. Collection method: clinical testing. Allele origin: germline. Not counted in ClinVar's aggregate classification.
Comment: This variant is classified as likely benign based on ACMG/AMP sequence variant interpretation guidelines (Richards et al. 2015 PMID: 25741868, with internal and published modifications).